The following is an entry in ClinVar:

NM_018668.5(VPS33B):c.83A>G (p.Tyr28Cys)

Gene: VPS33B (VPS33B late endosome and lysosome associated; minus strand). Cytogenetic location: 15q26.1.
Variant type: single nucleotide variant.
Coding change: c.83A>G on transcript NM_018668.5 (MANE Select); coding-DNA position 83, A replaced by G.
Protein change: p.Tyr28Cys; replaces tyrosine 28 with cysteine.
Molecular consequence: missense variant. On other transcripts: 5 prime UTR variant (1).
Genome position (GRCh38, 1-based): chr15:91,022,167, T>C on the plus strand (A>G on the coding strand, the complement: VPS33B is on the minus strand). VCF-style: chr15-91022167-T-C. GRCh37 (hg19) VCF-style: chr15-91565397-T-C.
Other names: p.Tyr28Cys; c.83A>G, p.Tyr28Cys (NM_001289148.1); c.-129A>G (NM_001289149.1); c.83A>G (NM_018668.3); short protein forms Y28C.
Identifiers: ClinVar variation 3380332 (VCV003380332.2).
Genomic context (GRCh38, chr15:91,022,167, plus strand): 5'-TGAGTGCTAAACTGTAGATGCGATAAAGGCGTCAGGCAAGCACTGACCTGCTCCAGCAGA[T>C]AGATGAGCTGGTCTCGAGCCAGCCTCTTCAGCATGGAGAAGTCAGGCAGCTCAGGGGCGT-3'
Protein context (NP_061138.3, residues 18-38): LKRLARDQLI[Tyr28Cys]LLEQLPGKKD

ClinVar aggregate classification (germline): Uncertain significance. Review status: criteria provided, multiple submitters, no conflicts (2 of 4 stars). 2 submissions from 2 submitters: Uncertain significance (2). Last evaluated 2025-09-25.

Conditions:
Inborn genetic diseases. Identifiers: MedGen C0950123, MeSH D030342.

gnomAD v4.1: 7 of 1,565,506 alleles (0.00045%); highest among the groups gnomAD compares: South Asian, 0.0012%; no homozygotes.

Submissions (2):

Ambry Genetics
Classification: Uncertain significance for Inborn genetic diseases. Last evaluated: 2025-09-25. Review status: criteria provided, single submitter. Criteria: Ambry Variant Classification Scheme 2023. Collection method: clinical testing. Allele origin: germline.

Mayo Clinic Laboratories, Mayo Clinic
Classification: Uncertain significance. Last evaluated: 2024-04-29. Review status: criteria provided, single submitter. Criteria: ACMG Guidelines, 2015. Collection method: clinical testing. Allele origin: germline. Observed: 1 variant allele.
Comment: PM1_supporting, PM2_moderate